The following is an entry in ClinVar:

NM_001267550.2(TTN):c.44986C>T (p.Arg14996Cys)

Genes: TTN (titin; minus strand), LOC126806427 (BRD4-independent group 4 enhancer GRCh37_chr2:179485777-179486976; plus strand). Cytogenetic location: 2q31.2.
Variant type: single nucleotide variant.
Coding change: c.44986C>T on transcript NM_001267550.2 (MANE Select); coding-DNA position 44986, C replaced by T.
Protein change: p.Arg14996Cys; replaces arginine 14996 with cysteine.
Molecular consequence: missense variant.
Genome position (GRCh38, 1-based): chr2:178,621,936, G>A on the plus strand (C>T on the coding strand, the complement: TTN is on the minus strand). VCF-style: chr2-178621936-G-A. GRCh37 (hg19) VCF-style: chr2-179486663-G-A.
Other names: c.40063C>T, p.Arg13355Cys (NM_001256850.1); c.17791C>T, p.Arg5931Cys (NM_003319.4); c.37282C>T, p.Arg12428Cys (NM_133378.4); c.18166C>T, p.Arg6056Cys (NM_133432.3); c.18367C>T, p.Arg6123Cys (NM_133437.4); short protein forms R12428C, R13355C, R14996C, R5931C, R6056C, R6123C.
Identifiers: ClinVar variation 3895260 (VCV003895260.1), dbSNP rs765602798.

ClinVar aggregate classification (germline): Likely benign (1 of 4 stars; one submission).

gnomAD v4.1: 20 of 1,611,784 alleles (0.0012%); highest among the groups gnomAD compares: East Asian, 0.0022%; no homozygotes.

Submission:

Molecular Diagnostic Laboratory for Inherited Cardiovascular Disease, Montreal Heart Institute
Classification: Likely benign. Last evaluated: 2025-04-09. Review status: criteria provided, single submitter. Criteria: ACMG Guidelines, 2015. Collection method: clinical testing. Allele origin: germline. Affected: no.
Comment: BP1